The following is an entry in ClinVar:

ClinVar aggregate classification (germline): Uncertain significance. Review status: criteria provided, multiple submitters, no conflicts (2 of 4 stars). 4 submissions from 4 submitters: Uncertain significance (4). Last evaluated 2026-04-07.

Conditions:
WDPCP-related disorder. Also called: WDPCP-related condition.
Heart defect - tongue hamartoma - polysyndactyly syndrome. Also called: Congenital heart defects, hamartomas of tongue, and polysyndactyly. Identifiers: Orphanet 1338, MedGen C1857587, MONDO:0009008, OMIM 217085.
Bardet-Biedl syndrome (BBS). Identifiers: Orphanet 110, MedGen C0752166, MONDO:0015229.
Bardet-Biedl syndrome 15 (BBS15). Identifiers: Orphanet 110, MedGen C3150127, MONDO:0014443, OMIM 615992.

Allele frequency attached by ClinVar (database versions not stated): gnomAD exomes below 0.00001 and 0.00001; gnomAD 0.00001; TOPMed 0.00001.
gnomAD v4.1: 12 of 1,613,170 alleles (0.00074%); highest among the groups gnomAD compares: Middle Eastern, 0.016%; no homozygotes.

Submissions (4):

PreventionGenetics, part of Exact Sciences
Classification: Uncertain significance for WDPCP-related condition. Last evaluated: 2026-04-07. Review status: criteria provided, single submitter. Criteria: ACMG Guidelines, 2015. Collection method: clinical testing. Allele origin: germline.
Comment: The WDPCP c.1687A>G variant is predicted to result in the amino acid substitution p.Ile563Val. To our knowledge, this variant has not been reported in the literature. This variant is reported in 0.00078% of alleles in individuals of European (Non-Finnish) descent in gnomAD. At this time, the clinical significance of this variant is uncertain due to the absence of conclusive functional and genetic evidence.

New York Genome Center
Classification: Uncertain significance for Heart defect - tongue hamartoma - polysyndactyly syndrome. Last evaluated: 2022-01-31. Review status: criteria provided, single submitter. Criteria: NYGC Assertion Criteria 2020. Collection method: clinical testing. Allele origin: germline. Observed: 1 heterozygote.

Fulgent Genetics
Classification: Uncertain significance for Heart defect - tongue hamartoma - polysyndactyly syndrome; Bardet-Biedl syndrome 15. Last evaluated: 2021-12-29. Review status: criteria provided, single submitter. Criteria: ACMG Guidelines, 2015. Collection method: clinical testing. Allele origin: unknown.

Labcorp Genetics (formerly Invitae), Labcorp
Classification: Uncertain significance for Bardet-Biedl syndrome. Last evaluated: 2019-07-16. Review status: criteria provided, single submitter. Criteria: Invitae Variant Classification Sherloc (09022015). Collection method: clinical testing. Allele origin: germline.
Comment: This sequence change replaces isoleucine with valine at codon 563 of the WDPCP protein (p.Ile563Val). The isoleucine residue is moderately conserved and there is a small physicochemical difference between isoleucine and valine. This variant is not present in population databases (ExAC no frequency). This variant has not been reported in the literature in individuals with WDPCP-related conditions. Algorithms developed to predict the effect of missense changes on protein structure and function output the following: SIFT: "Tolerated"; PolyPhen-2: "Benign"; Align-GVGD: "Class C0". The valine amino acid residue is found in multiple mammalian species, suggesting that this missense change does not adversely affect protein function. These predictions have not been confirmed by published functional studies and their clinical significance is uncertain. In summary, the available evidence is currently insufficient to determine the role of this variant in disease. Therefore, it has been classified as a Variant of Uncertain Significance.

NM_015910.7(WDPCP):c.1687A>G (p.Ile563Val)

Gene: WDPCP (WD repeat containing planar cell polarity effector; minus strand). Cytogenetic location: 2p15.
Variant type: single nucleotide variant.
Coding change: c.1687A>G on transcript NM_015910.7 (MANE Select); coding-DNA position 1687, A replaced by G.
Protein change: p.Ile563Val; replaces isoleucine 563 with valine.
Molecular consequence: missense variant. On other transcripts: non-coding transcript variant (3).
Genome position (GRCh38, 1-based): chr2:63,378,447, T>C on the plus strand (A>G on the coding strand, the complement: WDPCP is on the minus strand). VCF-style: chr2-63378447-T-C. GRCh37 (hg19) VCF-style: chr2-63605582-T-C.
Other names: c.1210A>G, p.Ile404Val (NM_001042692.3); c.1615A>G, p.Ile539Val (NM_001354044.2); c.1687A>G, p.Ile563Val (NM_001354045.2); short protein forms I404V, I539V, I563V.
Identifiers: ClinVar variation 957564 (VCV000957564.4), dbSNP rs1168632851, ClinGen allele CA347062951.
Genomic context (GRCh38, chr2:63,378,447, plus strand): 5'-TGAGCAAGTGATGGAAGAATCTCCTTGCATATTTGCTGATTTGATCTCTATATTCCAATA[T>C]AGTGGAATCCAGAAGTGGTCTTGTTGGAGCATAGAAGGTTCCAAGGCTTGTCTCAAGCTG-3'
Protein context (NP_056994.3, residues 553-573): APTRPLLDST[Ile563Val]LEYRDQISKY